The following is an entry in ClinVar:

NM_000478.6(ALPL):c.87G>A (p.Trp29Ter)

Gene: ALPL (alkaline phosphatase, biomineralization associated; plus strand). Cytogenetic location: 1p36.12.
Variant type: single nucleotide variant.
Coding change: c.87G>A on transcript NM_000478.6 (MANE Select); coding-DNA position 87, G replaced by A.
Protein change: p.Trp29Ter; replaces tryptophan 29 with a stop codon.
Molecular consequence: nonsense. On other transcripts: 5 prime UTR variant (2).
Genome position (GRCh38, 1-based): chr1:21,560,651, G>A. VCF-style: chr1-21560651-G-A. GRCh37 (hg19) VCF-style: chr1-21887144-G-A.
Other names: c.-79G>A (NM_001127501.4); c.-29G>A (NM_001177520.3); c.87G>A, p.Trp29Ter (NM_001369803.2, NM_001369804.2, NM_001369805.2); short protein forms W29*.
Identifiers: ClinVar variation 551645 (VCV000551645.4), dbSNP rs1553411779, ClinGen allele CA338877483.
Genomic context (GRCh38, chr1:21,560,651, plus strand): 5'-TACCCCGCCAAGTAACTGCCTCTCTCTGTGTTTAGAGAAAGAGAAAGACCCCAAGTACTG[G>A]CGAGACCAAGCGCAAGAGACACTGAAATATGCCCTGGAGCTTCAGAAGCTCAACACCAAC-3'

ClinVar aggregate classification (germline): Pathogenic. Review status: criteria provided, single submitter (1 of 4 stars). 2 submissions from 2 submitters: Pathogenic (1). 1 of the submissions does not count toward it. Last evaluated 2025-11-03.

Conditions:
Infantile hypophosphatasia. Identifiers: Orphanet 247651, Orphanet 436, MedGen C0268412, MONDO:1010169, OMIM 241500, MONDO:0009427.

Submissions (2):

Labcorp Genetics (formerly Invitae), Labcorp
Classification: Pathogenic. Last evaluated: 2025-11-03. Review status: criteria provided, single submitter. Criteria: Invitae Variant Classification Sherloc (09022015). Collection method: clinical testing. Allele origin: germline.
Comment: This sequence change creates a premature translational stop signal (p.Trp29*) in the ALPL gene. It is expected to result in an absent or disrupted protein product. Loss-of-function variants in ALPL are known to be pathogenic (PMID: 3174660, 10679946, 32973344, 33814268). This variant is not present in population databases (gnomAD no frequency). This variant has not been reported in the literature in individuals affected with ALPL-related conditions. ClinVar contains an entry for this variant (Variation ID: 551645). For these reasons, this variant has been classified as Pathogenic.

Counsyl
Classification: Likely pathogenic for Infantile hypophosphatasia. Last evaluated: 2017-04-28. Review status: no assertion criteria provided. Collection method: clinical testing. Allele origin: unknown. Not counted in ClinVar's aggregate classification.

Literature cited by the submitters: PubMed 3174660 (cited by Labcorp Genetics (formerly Invitae), Labcorp); PubMed 10679946 (cited by Labcorp Genetics (formerly Invitae), Labcorp); PubMed 32973344 (cited by Labcorp Genetics (formerly Invitae), Labcorp); PubMed 33814268 (cited by Labcorp Genetics (formerly Invitae), Labcorp).